The following is an entry in ClinVar:

NC_000017.10:g.(?_8280834)_(8283254_?)dup

Gene: RPL26 (ribosomal protein L26; minus strand). Cytogenetic location: 17p13.1.
Variant type: Duplication.
Identifiers: ClinVar variation 417529 (VCV000417529.1).

ClinVar aggregate classification (germline): Uncertain significance (1 of 4 stars; one submission).

Conditions:
Diamond-Blackfan anemia. Also called: Blackfan Diamond syndrome; Aregenerative anemia chronic congenital; Red cell aplasia, pure hereditary; Congenital hypoplastic anemia; Aase syndrome. Identifiers: Orphanet 124, MedGen C1260899, MeSH D029503, MONDO:0015253, HP:0004810.

Submission:

Labcorp Genetics (formerly Invitae), Labcorp
Classification: Uncertain significance for Diamond-Blackfan anemia. Last evaluated: 2016-09-20. Review status: criteria provided, single submitter. Criteria: Invitae Variant Classification Sherloc (09022015). Collection method: clinical testing. Allele origin: germline.
Comment: This variant is a gross duplication of the genomic region encompassing exons 3-4 of the RPL26 gene. The 5' boundary is likely confined to intron 2. The 3' end of this event is unknown as it extends beyond the assayed region for this gene and therefore may encompass additional genes. This particular variant has not been reported in the literature in individuals with a RPL26-related disorder. In summary, the exact genomic location of this variant is unknown and the impact of this duplication on RPL26 protein function has not been established. Therefore, it has been classified as a Variant of Uncertain Significance.